The following is an entry in ClinVar:

ClinVar aggregate classification (germline): Uncertain significance. Review status: criteria provided, multiple submitters, no conflicts (2 of 4 stars). 4 submissions from 4 submitters: Uncertain significance (4). Last evaluated 2026-01-05.

Conditions:
Hereditary cancer-predisposing syndrome. Also called: Neoplastic Syndromes, Hereditary; Hereditary neoplastic syndrome; Tumor predisposition; Hereditary Cancer Syndrome. Identifiers: Orphanet 140162, MedGen C0027672, MeSH D009386, MONDO:0015356.
Ataxia-telangiectasia syndrome (AT). Also called: Ataxia telangiectasia (A-T); Cerebello-oculocutaneous telangiectasia; Immunodeficiency with ataxia telangiectasia; LOUIS-BAR SYNDROME; AT, COMPLEMENTATION GROUP C; ATAXIA-TELANGIECTASIA, FRESNO VARIANT. Identifiers: Orphanet 100, MedGen C0004135, MONDO:0008840, OMIM 208900.

Submissions (4):

Labcorp Genetics (formerly Invitae), Labcorp
Classification: Uncertain significance for Ataxia-telangiectasia syndrome. Last evaluated: 2026-01-05. Review status: criteria provided, single submitter. Criteria: Invitae Variant Classification Sherloc (09022015). Collection method: clinical testing. Allele origin: germline.
Comment: This sequence change replaces histidine, which is basic and polar, with proline, which is neutral and non-polar, at codon 2887 of the ATM protein (p.His2887Pro). This variant is not present in population databases (gnomAD no frequency). This variant has not been reported in the literature in individuals affected with ATM-related conditions. ClinVar contains an entry for this variant (Variation ID: 219596). Invitae Evidence Modeling of protein sequence and biophysical properties (such as structural, functional, and spatial information, amino acid conservation, physicochemical variation, residue mobility, and thermodynamic stability) indicates that this missense variant is expected to disrupt ATM protein function with a positive predictive value of 95%. In summary, the available evidence is currently insufficient to determine the role of this variant in disease. Therefore, it has been classified as a Variant of Uncertain Significance.

Ambry Genetics
Classification: Uncertain significance for Hereditary cancer-predisposing syndrome. Last evaluated: 2024-10-15. Review status: criteria provided, single submitter. Criteria: Ambry Variant Classification Scheme 2023. Collection method: clinical testing. Allele origin: germline.
Comment: The p.H2887P variant (also known as c.8660A>C), located in coding exon 58 of the ATM gene, results from an A to C substitution at nucleotide position 8660. The histidine at codon 2887 is replaced by proline, an amino acid with similar properties. This amino acid position is highly conserved in available vertebrate species. In addition, this alteration is predicted to be deleterious by in silico analysis. Based on the available evidence, the clinical significance of this variant remains unclear.

GeneDx
Classification: Uncertain significance. Last evaluated: 2023-08-30. Review status: criteria provided, single submitter. Criteria: GeneDx Variant Classification Process June 2021. Collection method: clinical testing. Allele origin: germline. Affected: yes.
Comment: Not observed at significant frequency in large population cohorts (gnomAD); In silico analysis supports that this missense variant has a deleterious effect on protein structure/function; Has not been previously published as pathogenic or benign to our knowledge; This variant is associated with the following publications: (PMID: 23532176)

Women's Health and Genetics/Laboratory Corporation of America, LabCorp
Classification: Uncertain significance. Last evaluated: 2018-10-19. Review status: criteria provided, single submitter. Criteria: LabCorp Variant Classification Summary - May 2015. Collection method: clinical testing. Allele origin: germline.
Comment: Variant summary: ATM c.8660A>C (p.His2887Pro) results in a non-conservative amino acid change located in the Phosphatidylinositol 3-/4-kinase, catalytic domain (IPR000403) of the encoded protein sequence. Five of five in-silico tools predict a damaging effect of the variant on protein function. The variant was absent in 245006 control chromosomes (gnomAD). The available data on variant occurrences in the general population are insufficient to allow any conclusion about variant significance. To our knowledge, no occurrence of c.8660A>C in individuals affected with Ataxia-Telangiectasia and no experimental evidence demonstrating its impact on protein function have been reported. One clinical diagnostic laboratory has submitted clinical-significance assessments for this variant to ClinVar after 2014 without evidence for independent evaluation, and classified the variant as uncertain significance. Based on the evidence outlined above, the variant was classified as uncertain significance.

NM_000051.4(ATM):c.8660A>C (p.His2887Pro)

Genes: C11orf65 (chromosome 11 open reading frame 65; minus strand), ATM (ATM serine/threonine kinase; plus strand). Cytogenetic location: 11q22.3.
Variant type: single nucleotide variant.
Coding change: c.8660A>C on transcript NM_000051.4 (MANE Select); coding-DNA position 8660, A replaced by C.
Protein change: p.His2887Pro; replaces histidine 2887 with proline.
Molecular consequence: missense variant. On other transcripts: intron variant (2).
Genome position (GRCh38, 1-based): chr11:108,347,354, A>C. VCF-style: chr11-108347354-A-C. GRCh37 (hg19) VCF-style: chr11-108218081-A-C.
Other names: c.8660A>C, p.His2887Pro (NM_001351834.2); c.641-38283T>G (NM_001330368.2); c.695-12062T>G (NM_001351110.2); short protein forms H2887P.
Identifiers: ClinVar variation 219596 (VCV000219596.15), dbSNP rs864622173, ClinGen allele CA349936.